The following is an entry in ClinVar:

ClinVar aggregate classification (germline): Uncertain significance. Review status: criteria provided, multiple submitters, no conflicts (2 of 4 stars). 2 submissions from 2 submitters: Uncertain significance (2). Last evaluated 2025-05-20.

Conditions:
Cardiovascular phenotype. Identifiers: MedGen CN230736.
Hereditary cancer-predisposing syndrome. Also called: Hereditary Cancer Syndrome; Hereditary neoplastic syndrome; Neoplastic Syndromes, Hereditary; Tumor predisposition. Identifiers: Orphanet 140162, MedGen C0027672, MeSH D009386, MONDO:0015356.
Neurofibromatosis, type 1 (NF1). Also called: VON RECKLINGHAUSEN DISEASE; Peripheral type neurofibromatosis; NEUROFIBROMATOSIS, TYPE I, SOMATIC; Neurofibromatosis, type I. Identifiers: Orphanet 636, MedGen C0027831, MONDO:0018975, OMIM 162200. Disease mechanism: loss of function.

Submissions (2):

Ambry Genetics
Classification: Uncertain significance for Cardiovascular phenotype; Hereditary cancer-predisposing syndrome. Last evaluated: 2025-05-20. Review status: criteria provided, single submitter. Criteria: Ambry Variant Classification Scheme 2023. Collection method: clinical testing. Allele origin: germline.
Comment: The p.E1549K variant (also known as c.4645G>A), located in coding exon 34 of the NF1 gene, results from a G to A substitution at nucleotide position 4645. The glutamic acid at codon 1549 is replaced by lysine, an amino acid with similar properties. This amino acid position is conserved. In addition, the in silico prediction for this alteration is inconclusive. Based on the available evidence, the clinical significance of this variant remains unclear.

Labcorp Genetics (formerly Invitae), Labcorp
Classification: Uncertain significance for Neurofibromatosis, type 1. Last evaluated: 2025-01-17. Review status: criteria provided, single submitter. Criteria: Invitae Variant Classification Sherloc (09022015). Collection method: clinical testing. Allele origin: germline.
Comment: This sequence change replaces glutamic acid, which is acidic and polar, with lysine, which is basic and polar, at codon 1549 of the NF1 protein (p.Glu1549Lys). This variant is not present in population databases (gnomAD no frequency). This variant has not been reported in the literature in individuals affected with NF1-related conditions. Invitae Evidence Modeling of protein sequence and biophysical properties (such as structural, functional, and spatial information, amino acid conservation, physicochemical variation, residue mobility, and thermodynamic stability) indicates that this missense variant is expected to disrupt NF1 protein function with a positive predictive value of 80%. Algorithms developed to predict the effect of sequence changes on RNA splicing suggest that this variant may disrupt the consensus splice site. In summary, the available evidence is currently insufficient to determine the role of this variant in disease. Therefore, it has been classified as a Variant of Uncertain Significance.

NM_001042492.3(NF1):c.4708G>A (p.Glu1570Lys)

Gene: NF1 (neurofibromin 1; plus strand). Cytogenetic location: 17q11.2.
Variant type: single nucleotide variant.
Coding change: c.4708G>A on transcript NM_001042492.3 (MANE Select); coding-DNA position 4708, G replaced by A.
Protein change: p.Glu1570Lys; replaces glutamic acid 1570 with lysine.
Molecular consequence: missense variant.
Genome position (GRCh38, 1-based): chr17:31,261,841, G>A. VCF-style: chr17-31261841-G-A. GRCh37 (hg19) VCF-style: chr17-29588859-G-A.
Other names: c.4645G>A, p.Glu1549Lys (NM_000267.4); short protein forms E1549K, E1570K.
Identifiers: ClinVar variation 3634562 (VCV003634562.3).
Genomic context (GRCh38, chr17:31,261,841, plus strand): 5'-GAGCACAAACCTGTGGCAGATACACACTGGTCCAGCCTTAACCTTACCAGTTCAAAGTTT[G>A]AGGAATTTATGACTAGGTAAAGTACAACCTTGAAATAGTTGATTGCTTTCTTTTTGGTTG-3'
Protein context (NP_001035957.1, residues 1560-1580): SSLNLTSSKF[Glu1570Lys]EFMTRHQVHE